The following is an entry in ClinVar:

NM_015338.6(ASXL1):c.3296C>G (p.Ser1099Cys)

Gene: ASXL1 (ASXL transcriptional regulator 1; plus strand). Cytogenetic location: 20q11.21.
Variant type: single nucleotide variant.
Coding change: c.3296C>G on transcript NM_015338.6 (MANE Select); coding-DNA position 3296, C replaced by G.
Protein change: p.Ser1099Cys; replaces serine 1099 with cysteine.
Molecular consequence: missense variant.
Genome position (GRCh38, 1-based): chr20:32,436,008, C>G. VCF-style: chr20-32436008-C-G. GRCh37 (hg19) VCF-style: chr20-31023811-C-G.
Other names: c.3113C>G, p.Ser1038Cys (NM_001363734.1); short protein forms S1038C, S1099C.
Identifiers: ClinVar variation 3319260 (VCV003319260.4).

ClinVar aggregate classification (germline): Uncertain significance. Review status: criteria provided, multiple submitters, no conflicts (2 of 4 stars). 3 submissions from 3 submitters: Uncertain significance (3). Last evaluated 2025-06-06.

Conditions:
Inborn genetic diseases. Identifiers: MedGen C0950123, MeSH D030342.
Intellectual disability. Also called: Intellectual functioning disability; intellectual disabilities; Intellectual developmental disorder. Identifiers: MedGen C3714756, MeSH D008607, MONDO:0001071, HP:0001249.

gnomAD v4.1: 19 of 1,614,158 alleles (0.0012%); highest among the groups gnomAD compares: Admixed American, 0.0017%; no homozygotes.

Submissions (3):

Ambry Genetics
Classification: Uncertain significance for Inborn genetic diseases. Last evaluated: 2025-06-06. Review status: criteria provided, single submitter. Criteria: Ambry Variant Classification Scheme 2023. Collection method: clinical testing. Allele origin: germline.
Comment: The p.S1099C variant (also known as c.3296C>G), located in coding exon 13 of the ASXL1 gene, results from a C to G substitution at nucleotide position 3296. The serine at codon 1099 is replaced by cysteine, an amino acid with dissimilar properties. This amino acid position is conserved. In addition, this alteration is predicted to be tolerated by in silico analysis. Based on the available evidence, the clinical significance of this variant remains unclear.

Blueprint Genetics
Classification: Uncertain significance. Last evaluated: 2024-11-22. Review status: criteria provided, single submitter. Criteria: ACMG Guidelines, 2015. Collection method: clinical testing. Allele origin: germline.

Cambridge Genomics Laboratory, East Genomic Laboratory Hub, NHS Genomic Medicine Service
Classification: Uncertain significance for Intellectual disability. Last evaluated: 2020-02-11. Review status: criteria provided, single submitter. Criteria: ACGS Best Practice Guidelines for Variant Classification in Rare Disease 2020. Collection method: clinical testing. Allele origin: germline. Affected: yes. Observed: 1 variant allele.